The following is an entry in ClinVar:

NM_012470.4(TNPO3):c.2431-3C>T

Gene: TNPO3 (transportin 3; minus strand). Cytogenetic location: 7q32.1.
Variant type: single nucleotide variant.
Coding change: c.2431-3C>T on transcript NM_012470.4 (MANE Select); 3 bases into the intron before coding-DNA position 2431, C replaced by T.
Molecular consequence: intron variant.
Genome position (GRCh38, 1-based): chr7:128,970,318, G>A on the plus strand (C>T on the coding strand, the complement: TNPO3 is on the minus strand). VCF-style: chr7-128970318-G-A. GRCh37 (hg19) VCF-style: chr7-128610372-G-A.
Other names: c.2287-3C>T (NM_001382221.1); c.2284-3C>T (NM_001382222.1); c.2323-3C>T (NM_001382219.1); c.2239-3C>T (NM_001382223.1, NM_001191028.3); c.2290-3C>T (NM_001382220.1); c.2431-3C>T (NM_001382218.1); c.2533-3C>T (NM_001382216.1); c.2512-3C>T (NM_001382217.1).
Identifiers: ClinVar variation 4729035 (VCV004729035.1).

ClinVar aggregate classification (germline): Uncertain significance (1 of 4 stars; one submission).

Conditions:
Autosomal dominant limb-girdle muscular dystrophy type 1F (LGMDD2). Also called: Limb-girdle muscular dystrophy, type 1F; MUSCULAR DYSTROPHY, LIMB-GIRDLE, AUTOSOMAL DOMINANT 2. Identifiers: Orphanet 55595, MedGen C1842062, MONDO:0012034, OMIM 608423.

gnomAD v4.1: 20 of 1,578,428 alleles (0.0013%); highest among the groups gnomAD compares: South Asian, 0.019%; 1 homozygote.

Submission:

Labcorp Genetics (formerly Invitae), Labcorp
Classification: Uncertain significance for Autosomal dominant limb-girdle muscular dystrophy type 1F. Last evaluated: 2025-06-22. Review status: criteria provided, single submitter. Criteria: Invitae Variant Classification Sherloc (09022015). Collection method: clinical testing. Allele origin: germline.
Comment: This sequence change falls in intron 19 of the TNPO3 gene. It does not directly change the encoded amino acid sequence of the TNPO3 protein. It affects a nucleotide within the consensus splice site. This variant is present in population databases (rs752222980, gnomAD 0.004%). This variant has not been reported in the literature in individuals affected with TNPO3-related conditions. Variants that disrupt the consensus splice site are a relatively common cause of aberrant splicing (PMID: 17576681, 9536098). Algorithms developed to predict the effect of sequence changes on RNA splicing suggest that this variant is not likely to affect RNA splicing. In summary, the available evidence is currently insufficient to determine the role of this variant in disease. Therefore, it has been classified as a Variant of Uncertain Significance.

Literature cited by the submitters: PubMed 17576681; PubMed 9536098.